The following is an entry in ClinVar:

NM_019594.4(LRRC8A):c.51C>T (p.Tyr17=)

Gene: LRRC8A (leucine rich repeat containing 8 VRAC subunit A; plus strand). Cytogenetic location: 9q34.11.
Variant type: single nucleotide variant.
Coding change: c.51C>T on transcript NM_019594.4 (MANE Select); coding-DNA position 51, C replaced by T.
Protein change: p.Tyr17=; no amino-acid change (tyrosine 17 retained).
Molecular consequence: synonymous variant.
Genome position (GRCh38, 1-based): chr9:128,907,215, C>T. VCF-style: chr9-128907215-C-T. GRCh37 (hg19) VCF-style: chr9-131669494-C-T.
Other names: c.51C>T, p.Tyr17= (NM_001127244.2, NM_001127245.2).
Identifiers: ClinVar variation 716394 (VCV000716394.23), dbSNP rs16930745, ClinGen allele CA5270659.

ClinVar aggregate classification (germline): Benign. Review status: criteria provided, multiple submitters, no conflicts (2 of 4 stars). 4 submissions from 4 submitters: Benign (3). 1 of the submissions does not count toward it. Last evaluated 2026-01-29.

Conditions:
Agammaglobulinemia 5, autosomal dominant (AGM5). Also called: AGAMMAGLOBULINEMIA, AUTOSOMAL DOMINANT, DUE TO LRRC8A DEFECT. Identifiers: MedGen C3150753, MONDO:0013290, OMIM 613506.
LRRC8A-related disorder. Also called: LRRC8A-related condition.

Allele frequency attached by ClinVar (database versions not stated): gnomAD exomes 0.00211; ExAC 0.00266; 1000 Genomes Project 0.00679; 1000 Genomes Project 30x 0.00687; gnomAD 0.00807 and 0.00880; TOPMed 0.00955; ESP Exome Variant Server 0.01000.
gnomAD v4.1: 2,355 of 1,613,680 alleles (0.15%); highest among the groups gnomAD compares: African/African-American, 2.8%; 33 homozygotes.

Submissions (4):

Labcorp Genetics (formerly Invitae), Labcorp
Classification: Benign. Last evaluated: 2026-01-29. Review status: criteria provided, single submitter. Criteria: Invitae Variant Classification Sherloc (09022015). Collection method: clinical testing. Allele origin: germline.

ARUP Laboratories, Molecular Genetics and Genomics, ARUP Laboratories
Classification: Benign for Agammaglobulinemia 5, autosomal dominant. Last evaluated: 2023-09-22. Review status: criteria provided, single submitter. Criteria: ARUP Molecular Germline Variant Investigation Process 2024. Collection method: clinical testing. Allele origin: germline.

Breakthrough Genomics
Classification: Benign. Review status: criteria provided, single submitter. Criteria: ACMG Guidelines, 2015. Collection method: not provided. Allele origin: germline. Inheritance: Autosomal dominant inheritance. Affected: yes.

PreventionGenetics, part of Exact Sciences
Classification: Benign for LRRC8A-related condition. Last evaluated: 2019-08-28. Review status: no assertion criteria provided. Collection method: clinical testing. Allele origin: germline. Not counted in ClinVar's aggregate classification.
Comment: This variant is classified as benign based on ACMG/AMP sequence variant interpretation guidelines (Richards et al. 2015 PMID: 25741868, with internal and published modifications).